The following is an entry in ClinVar:

NM_000440.3(PDE6A):c.2377G>A (p.Glu793Lys)

Gene: PDE6A (phosphodiesterase 6A; minus strand). Cytogenetic location: 5q32.
Variant type: single nucleotide variant.
Coding change: c.2377G>A on transcript NM_000440.3 (MANE Select); coding-DNA position 2377, G replaced by A.
Protein change: p.Glu793Lys; replaces glutamic acid 793 with lysine.
Molecular consequence: missense variant.
Genome position (GRCh38, 1-based): chr5:149,863,248, C>T on the plus strand (G>A on the coding strand, the complement: PDE6A is on the minus strand). VCF-style: chr5-149863248-C-T. GRCh37 (hg19) VCF-style: chr5-149242811-C-T.
Other names: short protein forms E793K.
Identifiers: ClinVar variation 1022146 (VCV001022146.6), dbSNP rs141546165, ClinGen allele CA3504292.

ClinVar aggregate classification (germline): Uncertain significance. Review status: criteria provided, multiple submitters, no conflicts (2 of 4 stars). 2 submissions from 2 submitters: Uncertain significance (2). Last evaluated 2022-10-13.

Allele frequency attached by ClinVar (database versions not stated): gnomAD 0.00001; TOPMed 0.00002; ExAC 0.00003; gnomAD exomes 0.00003 and 0.00005; ESP Exome Variant Server 0.00023.
gnomAD v4.1: 69 of 1,614,036 alleles (0.0043%); highest among the groups gnomAD compares: Middle Eastern, 0.016%; no homozygotes.

Submissions (2):

Labcorp Genetics (formerly Invitae), Labcorp
Classification: Uncertain significance. Last evaluated: 2022-10-13. Review status: criteria provided, single submitter. Criteria: Invitae Variant Classification Sherloc (09022015). Collection method: clinical testing. Allele origin: germline.
Comment: In summary, the available evidence is currently insufficient to determine the role of this variant in disease. Therefore, it has been classified as a Variant of Uncertain Significance. Advanced modeling of protein sequence and biophysical properties (such as structural, functional, and spatial information, amino acid conservation, physicochemical variation, residue mobility, and thermodynamic stability) performed at Invitae indicates that this missense variant is not expected to disrupt PDE6A protein function. ClinVar contains an entry for this variant (Variation ID: 1022146). This variant has not been reported in the literature in individuals affected with PDE6A-related conditions. This variant is present in population databases (rs141546165, gnomAD 0.005%). This sequence change replaces glutamic acid, which is acidic and polar, with lysine, which is basic and polar, at codon 793 of the PDE6A protein (p.Glu793Lys).

Blueprint Genetics
Classification: Uncertain significance. Last evaluated: 2022-10-03. Review status: criteria provided, single submitter. Criteria: ACMG Guidelines, 2015. Collection method: clinical testing. Allele origin: germline.